The following is an entry in ClinVar:

NM_014956.5(CEP164):c.2760+1G>T

Gene: CEP164 (centrosomal protein 164; plus strand). Cytogenetic location: 11q23.3.
Variant type: single nucleotide variant.
Coding change: c.2760+1G>T on transcript NM_014956.5 (MANE Select); the canonical splice donor site of the intron after coding-DNA position 2760, G replaced by T.
Molecular consequence: splice donor variant.
Genome position (GRCh38, 1-based): chr11:117,394,494, G>T. VCF-style: chr11-117394494-G-T. GRCh37 (hg19) VCF-style: chr11-117265210-G-T.
Other names: c.2769+1G>T (NM_001271933.2).
Identifiers: ClinVar variation 1019274 (VCV001019274.7), dbSNP rs1269878493, ClinGen allele CA382728801.

ClinVar aggregate classification (germline): Likely pathogenic (1 of 4 stars; one submission).

Conditions:
Nephronophthisis 15 (NPHP15). Identifiers: Orphanet 3156, MedGen C3541853, MONDO:0013917, OMIM 614845.

Allele frequency attached by ClinVar (database versions not stated): TOPMed below 0.00001; gnomAD 0.00001; gnomAD exomes 0.00001.
gnomAD v4.1: 11 of 1,613,486 alleles (0.00068%); highest among the groups gnomAD compares: Non-Finnish European, 0.00076%; no homozygotes.

Submission:

Labcorp Genetics (formerly Invitae), Labcorp
Classification: Likely pathogenic for Nephronophthisis 15. Last evaluated: 2024-01-22. Review status: criteria provided, single submitter. Criteria: Invitae Variant Classification Sherloc (09022015). Collection method: clinical testing. Allele origin: germline.
Comment: This sequence change affects a donor splice site in intron 21 of the CEP164 gene. It is expected to disrupt RNA splicing. Variants that disrupt the donor or acceptor splice site typically lead to a loss of protein function (PMID: 16199547), and loss-of-function variants in CEP164 are known to be pathogenic (PMID: 22863007, 28125082, 32367404, 34132027, 34499853). This variant is not present in population databases (gnomAD no frequency). This variant has not been reported in the literature in individuals affected with CEP164-related conditions. ClinVar contains an entry for this variant (Variation ID: 1019274). Algorithms developed to predict the effect of sequence changes on RNA splicing suggest that this variant may disrupt the consensus splice site. In summary, the currently available evidence indicates that the variant is pathogenic, but additional data are needed to prove that conclusively. Therefore, this variant has been classified as Likely Pathogenic.

Literature cited by the submitters: PubMed 16199547; PubMed 22863007; PubMed 28125082; PubMed 32367404; PubMed 34132027; PubMed 34499853.